The following is an entry in ClinVar:

ClinVar aggregate classification (germline): Uncertain significance (1 of 4 stars; one submission).

Conditions:
Hereditary cancer-predisposing syndrome. Also called: Hereditary Cancer Syndrome; Neoplastic Syndromes, Hereditary; Tumor predisposition; Hereditary neoplastic syndrome. Identifiers: Orphanet 140162, MedGen C0027672, MeSH D009386, MONDO:0015356.

Submission:

Ambry Genetics
Classification: Uncertain significance for Hereditary cancer-predisposing syndrome. Last evaluated: 2025-11-19. Review status: criteria provided, single submitter. Criteria: Ambry Variant Classification Scheme 2023. Collection method: clinical testing. Allele origin: germline.
Comment: The p.I2948S variant (also known as c.8843T>G), located in coding exon 60 of the ATM gene, results from a T to G substitution at nucleotide position 8843. The isoleucine at codon 2948 is replaced by serine, an amino acid with dissimilar properties. In an assay testing ATM function, this variant showed a functionally abnormal (Lee KS et al. Cell, 2025 Sep;188:5081-5099.e27). This amino acid position is highly conserved in available vertebrate species. In addition, this alteration is predicted to be deleterious by in silico analysis. Based on the available evidence, the clinical significance of this variant remains unclear.

Literature cited by the submitters: PubMed 40580951.

NM_000051.4(ATM):c.8843T>G (p.Ile2948Ser)

Genes: ATM (ATM serine/threonine kinase; plus strand), C11orf65 (chromosome 11 open reading frame 65; minus strand). Cytogenetic location: 11q22.3.
Variant type: single nucleotide variant.
Coding change: c.8843T>G on transcript NM_000051.4 (MANE Select); coding-DNA position 8843, T replaced by G.
Protein change: p.Ile2948Ser; replaces isoleucine 2948 with serine.
Molecular consequence: missense variant. On other transcripts: intron variant (2).
Genome position (GRCh38, 1-based): chr11:108,354,867, T>G. VCF-style: chr11-108354867-T-G. GRCh37 (hg19) VCF-style: chr11-108225594-T-G.
Other names: c.8843T>G, p.Ile2948Ser (NM_001351834.2); c.640+31053A>C (NM_001330368.2); c.695-19575A>C (NM_001351110.2); short protein forms I2948S.
Identifiers: ClinVar variation 4618297 (VCV004618297.1).
Genomic context (GRCh38, chr11:108,354,867, plus strand): 5'-CTAGATGCTGTGAGAAAACCATGGAAGTGATGAGAAACTCTCAGGAAACTCTGTTAACCA[T>G]TGTAGAGGTAAAGTATTTTATAAGGAAGACTTTATTTTTTTTCTTACCAGGTAGACTGTG-3'
Protein context (NP_000042.3, residues 2938-2958): MRNSQETLLT[Ile2948Ser]VEVLLYDPLF